The following is an entry in ClinVar:

ClinVar aggregate classification (germline): Uncertain significance (1 of 4 stars; one submission).

Conditions:
Cardiovascular phenotype. Identifiers: MedGen CN230736.

gnomAD v4.1: 1 of 1,614,104 alleles (0.000062%); no homozygotes.

Submission:

Ambry Genetics
Classification: Uncertain significance for Cardiovascular phenotype. Last evaluated: 2021-12-18. Review status: criteria provided, single submitter. Criteria: Ambry Variant Classification Scheme 2023. Collection method: clinical testing. Allele origin: germline.
Comment: The p.L1246F variant (also known as c.3738G>C), located in coding exon 18 of the MYPN gene, results from a G to C substitution at nucleotide position 3738. The leucine at codon 1246 is replaced by phenylalanine, an amino acid with highly similar properties. This amino acid position is conserved. In addition, the in silico prediction for this alteration is inconclusive. Since supporting evidence is limited at this time, the clinical significance of this alteration remains unclear.

NM_032578.4(MYPN):c.3738G>C (p.Leu1246Phe)

Gene: MYPN (myopalladin; plus strand). Cytogenetic location: 10q21.3.
Variant type: single nucleotide variant.
Coding change: c.3738G>C on transcript NM_032578.4 (MANE Select); coding-DNA position 3738, G replaced by C.
Protein change: p.Leu1246Phe; replaces leucine 1246 with phenylalanine.
Molecular consequence: missense variant. On other transcripts: non-coding transcript variant (2).
Genome position (GRCh38, 1-based): chr10:68,206,848, G>C. VCF-style: chr10-68206848-G-C. GRCh37 (hg19) VCF-style: chr10-69966605-G-C.
Other names: c.3738G>C, p.Leu1246Phe (NM_001256267.2); c.2856G>C, p.Leu952Phe (NM_001256268.2); short protein forms L1246F, L952F.
Identifiers: ClinVar variation 1734441 (VCV001734441.2), dbSNP rs777033322, ClinGen allele CA376828547.
Genomic context (GRCh38, chr10:68,206,848, plus strand): 5'-AGGGTATGCCTGCCTTCTCATTCAGCCAGCCAAGAAATCAGACGCTGGATGGTACACGTT[G>C]TCAGCCAAGAATGAAGCCGGCATCGTGTCGTGCACTGCCAGGCTGGATATATACGGTAAG-3'
Protein context (NP_115967.2, residues 1236-1256): AKKSDAGWYT[Leu1246Phe]SAKNEAGIVS